The following is an entry in ClinVar:

ClinVar aggregate classification (germline): Uncertain significance. Review status: criteria provided, multiple submitters, no conflicts (2 of 4 stars). 2 submissions from 2 submitters: Uncertain significance (2). Last evaluated 2020-12-19.

Conditions:
Hypertrophic cardiomyopathy. Also called: HYPERTROPHIC MYOCARDIOPATHY. Identifiers: Orphanet 217569, MedGen C0007194, MeSH D002312, MONDO:0005045, HP:0001639.

Submissions (2):

Labcorp Genetics (formerly Invitae), Labcorp
Classification: Uncertain significance for Hypertrophic cardiomyopathy. Last evaluated: 2020-12-19. Review status: criteria provided, single submitter. Criteria: Invitae Variant Classification Sherloc (09022015). Collection method: clinical testing. Allele origin: germline.
Comment: This variant, c.3360_3371dup, results in the insertion of 4 amino acid(s) to the MYH7 protein (p.Leu1122_Glu1125dup), but otherwise preserves the integrity of the reading frame. In summary, the available evidence is currently insufficient to determine the role of this variant in disease. Therefore, it has been classified as a Variant of Uncertain Significance. Experimental studies and prediction algorithms are not available or were not evaluated, and the functional significance of this variant is currently unknown. This variant has been observed in individual(s) with clinical features of MYH7-related conditions (Invitae). It has also been observed to segregate with disease in related individuals. ClinVar contains an entry for this variant (Variation ID: 454365). This variant is not present in population databases (ExAC no frequency).

Eurofins Ntd Llc (ga)
Classification: Uncertain significance. Last evaluated: 2016-09-29. Review status: criteria provided, single submitter. Criteria: EGL Classification Definitions 2015. Collection method: clinical testing. Allele origin: germline. Observed: 2 variant alleles, 2 heterozygotes.

NM_000257.4(MYH7):c.3360_3371dup (p.Leu1122_Glu1125dup)

Gene: MYH7 (myosin heavy chain 7; minus strand). Cytogenetic location: 14q11.2.
Variant type: Duplication.
Coding change: c.3360_3371dup on transcript NM_000257.4 (MANE Select); coding-DNA positions 3360 to 3371, 12 bases duplicated (GGAGCTGGAGGC).
Protein change: p.Leu1122_Glu1125dup.
Molecular consequence: inframe insertion.
Genome position (GRCh38, 1-based): chr14:23,420,200-23,420,211, GCCTCCAGCTCC duplicated on the plus strand (GGAGCTGGAGGC on the coding strand, the reverse complement: MYH7 is on the minus strand). VCF-style (leftmost placement, unchanged base first): chr14-23420199-G-GGCCTCCAGCTCC. GRCh37 (hg19) VCF-style: chr14-23889408-G-GGCCTCCAGCTCC.
Identifiers: ClinVar variation 454365 (VCV000454365.14), dbSNP rs1555337159, ClinGen allele CA658658245.
Genomic context (GRCh38, chr14:23,420,199, plus strand): 5'-CTCCAGCTCCCGAGACAGGTCTGAGCGCAGCTTCTCCACCTTAGCCCTGGCGGTGCGCTC[G>GGCCTCCAGCTCC]GCCTCCAGCTCCTCCTCCAGCTCCTCGATGCGTGCCTGGTCAGACACAAAGGGCTCAGAC-3'